The following is an entry in ClinVar:

ClinVar aggregate classification (germline): Uncertain significance (1 of 4 stars; one submission).

Submission:

Labcorp Genetics (formerly Invitae), Labcorp
Classification: Uncertain significance. Last evaluated: 2021-11-30. Review status: criteria provided, single submitter. Criteria: Invitae Variant Classification Sherloc (09022015). Collection method: clinical testing. Allele origin: germline.
Comment: This sequence change replaces arginine, which is basic and polar, with histidine, which is basic and polar, at codon 929 of the PCDH15 protein (p.Arg929His). Information on the frequency of this variant in the gnomAD database is not available, as this variant may be reported differently in the database. This variant has not been reported in the literature in individuals affected with PCDH15-related conditions. Algorithms developed to predict the effect of missense changes on protein structure and function are either unavailable or do not agree on the potential impact of this missense change (SIFT: "Not Available"; PolyPhen-2: "Possibly Damaging"; Align-GVGD: "Not Available"). In summary, the available evidence is currently insufficient to determine the role of this variant in disease. Therefore, it has been classified as a Variant of Uncertain Significance.

NM_001384140.1(PCDH15):c.2786_2787delinsAC (p.Arg929His)

Gene: PCDH15 (protocadherin related 15; minus strand). Cytogenetic location: 10q21.1.
Variant type: Indel.
Coding change: c.2786_2787delinsAC on transcript NM_001384140.1 (MANE Select); coding-DNA positions 2786 to 2787, GA replaced by AC.
Protein change: p.Arg929His; replaces arginine 929 with histidine.
Molecular consequence: missense variant.
Genome position (GRCh38, 1-based): chr10:53,995,730-53,995,731, TC replaced by GT on the plus strand (GA replaced by AC on the coding strand, the reverse complement: PCDH15 is on the minus strand). VCF-style: chr10-53995730-TC-GT. GRCh37 (hg19) VCF-style: chr10-55755490-TC-GT.
Other names: c.2801_2802delinsAC, p.Arg934His (NM_001142763.2, NM_001142771.2); c.2786_2787delinsAC, p.Arg929His (NM_001142764.2, NM_001142766.2, NM_001142770.3 and 5 more transcripts); c.2573_2574delinsAC, p.Arg858His (NM_001142765.2); c.2675_2676delinsAC, p.Arg892His (NM_001142767.2); c.2720_2721delinsAC, p.Arg907His (NM_001142768.2, NM_001142773.2, NM_001354404.2); c.2822_2823delGAinsAC, p.Arg941His (NM_001142769.4); c.2807_2808delinsAC, p.Arg936His (NM_001354411.2); short protein forms R892H, R936H, R929H, R907H, R934H, R941H, R858H.
Identifiers: ClinVar variation 1506505 (VCV001506505.3), dbSNP rs2134903782, ClinGen allele CA2573145126.